The following is an entry in ClinVar:

NM_000038.6(APC):c.4887T>A (p.His1629Gln)

Gene: APC (APC regulator of Wnt signaling pathway; plus strand). Cytogenetic location: 5q22.2.
Variant type: single nucleotide variant.
Coding change: c.4887T>A on transcript NM_000038.6 (MANE Select); coding-DNA position 4887, T replaced by A.
Protein change: p.His1629Gln; replaces histidine 1629 with glutamine.
Molecular consequence: missense variant.
Genome position (GRCh38, 1-based): chr5:112,840,481, T>A. VCF-style: chr5-112840481-T-A. GRCh37 (hg19) VCF-style: chr5-112176178-T-A.
Other names: c.4887T>A, p.His1629Gln (NM_001127510.3, NM_001354895.2, NM_001407450.1); c.4833T>A, p.His1611Gln (NM_001127511.3); c.4941T>A, p.His1647Gln (NM_001354896.2, NM_001407447.1, NM_001407448.1 and 1 more transcripts); c.4917T>A, p.His1639Gln (NM_001354897.2); c.4812T>A, p.His1604Gln (NM_001354898.2); c.4803T>A, p.His1601Gln (NM_001354899.2); c.4764T>A, p.His1588Gln (NM_001354900.2); c.4710T>A, p.His1570Gln (NM_001354901.2, NM_001407453.1); and 11 more; short protein forms H1538Q, H1611Q, H1639Q, H1346Q, H1500Q, H1546Q, H1588Q, H1601Q.
Identifiers: ClinVar variation 1743827 (VCV001743827.2), dbSNP rs2149926544, ClinGen allele CA16032041.

ClinVar aggregate classification (germline): Uncertain significance (1 of 4 stars; one submission).

Conditions:
Hereditary cancer-predisposing syndrome. Also called: Hereditary Cancer Syndrome; Neoplastic Syndromes, Hereditary; Tumor predisposition; Hereditary neoplastic syndrome. Identifiers: Orphanet 140162, MedGen C0027672, MeSH D009386, MONDO:0015356.

Submission:

Ambry Genetics
Classification: Uncertain significance for Hereditary cancer-predisposing syndrome. Last evaluated: 2020-09-21. Review status: criteria provided, single submitter. Criteria: Ambry Variant Classification Scheme 2023. Collection method: clinical testing. Allele origin: germline.
Comment: The p.H1629Q variant (also known as c.4887T>A), located in coding exon 15 of the APC gene, results from a T to A substitution at nucleotide position 4887. The histidine at codon 1629 is replaced by glutamine, an amino acid with highly similar properties. This amino acid position is not well conserved in available vertebrate species. In addition, in silico predictors for this gene do not accurately predict pathogenicity. Since supporting evidence is limited at this time, the clinical significance of this alteration remains unclear.